The following is an entry in ClinVar:

ClinVar aggregate classification (germline): Uncertain significance (1 of 4 stars; one submission).

Conditions:
Cardiovascular phenotype. Identifiers: MedGen CN230736.

Submission:

Ambry Genetics
Classification: Uncertain significance for Cardiovascular phenotype. Last evaluated: 2021-07-08. Review status: criteria provided, single submitter. Criteria: Ambry Variant Classification Scheme 2023. Collection method: clinical testing. Allele origin: germline.
Comment: The p.Q148E variant (also known as c.442C>G), located in coding exon 5 of the AKAP9 gene, results from a C to G substitution at nucleotide position 442. The glutamine at codon 148 is replaced by glutamic acid, an amino acid with highly similar properties. This amino acid position is conserved. In addition, this alteration is predicted to be tolerated by in silico analysis. Since supporting evidence is limited at this time, the clinical significance of this alteration remains unclear.

NM_005751.5(AKAP9):c.442C>G (p.Gln148Glu)

Gene: AKAP9 (A-kinase anchoring protein 9; plus strand). Cytogenetic location: 7q21.2.
Variant type: single nucleotide variant.
Coding change: c.442C>G on transcript NM_005751.5 (MANE Select); coding-DNA position 442, C replaced by G.
Protein change: p.Gln148Glu; replaces glutamine 148 with glutamic acid.
Molecular consequence: missense variant.
Genome position (GRCh38, 1-based): chr7:91,992,921, C>G. VCF-style: chr7-91992921-C-G. GRCh37 (hg19) VCF-style: chr7-91622235-C-G.
Other names: c.442C>G, p.Gln148Glu (NM_147185.3); short protein forms Q148E.
Identifiers: ClinVar variation 1740530 (VCV001740530.2), dbSNP rs1373360499, ClinGen allele CA368119408.
Genomic context (GRCh38, chr7:91,992,921, plus strand): 5'-CTTTAAAATCTTGGATTGATTTAGGAAGAAGAATTTGGTGTTGATGATTCTTATTCTGAA[C>G]AAGGAGCACAAGACAGTCCGACTCATCTAGAGATGATGGAAAGTGAGTTGGCTGGGAAGC-3'
Protein context (NP_005742.4, residues 138-158): EFGVDDSYSE[Gln148Glu]GAQDSPTHLE